The following is an entry in ClinVar:

ClinVar aggregate classification (germline): Uncertain significance (1 of 4 stars; one submission).

Submission:

Labcorp Genetics (formerly Invitae), Labcorp
Classification: Uncertain significance. Last evaluated: 2025-04-21. Review status: criteria provided, single submitter. Criteria: Invitae Variant Classification Sherloc (09022015). Collection method: clinical testing. Allele origin: germline.
Comment: This sequence change replaces threonine, which is neutral and polar, with alanine, which is neutral and non-polar, at codon 3704 of the ADGRV1 protein (p.Thr3704Ala). This variant is not present in population databases (gnomAD no frequency). This variant has not been reported in the literature in individuals affected with ADGRV1-related conditions. ClinVar contains an entry for this variant (Variation ID: 2077882). Invitae Evidence Modeling of protein sequence and biophysical properties (such as structural, functional, and spatial information, amino acid conservation, physicochemical variation, residue mobility, and thermodynamic stability) indicates that this missense variant is not expected to disrupt ADGRV1 protein function with a negative predictive value of 95%. In summary, the available evidence is currently insufficient to determine the role of this variant in disease. Therefore, it has been classified as a Variant of Uncertain Significance.

NM_032119.4(ADGRV1):c.11110A>G (p.Thr3704Ala)

Gene: ADGRV1 (adhesion G protein-coupled receptor V1; plus strand). Cytogenetic location: 5q14.3.
Variant type: single nucleotide variant.
Coding change: c.11110A>G on transcript NM_032119.4 (MANE Select); coding-DNA position 11110, A replaced by G.
Protein change: p.Thr3704Ala; replaces threonine 3704 with alanine.
Molecular consequence: missense variant. On other transcripts: non-coding transcript variant (1).
Genome position (GRCh38, 1-based): chr5:90,750,686, A>G. VCF-style: chr5-90750686-A-G. GRCh37 (hg19) VCF-style: chr5-90046503-A-G.
Other names: short protein forms T3704A.
Identifiers: ClinVar variation 2077882 (VCV002077882.4), dbSNP rs2531593482, ClinGen allele CA360363454.